The following is an entry in ClinVar:

ClinVar aggregate classification (germline): Likely pathogenic. Review status: criteria provided, multiple submitters, no conflicts (2 of 4 stars). 4 submissions from 4 submitters: Likely pathogenic (3). 1 of the submissions does not count toward it. Last evaluated 2026-01-07.

Conditions:
Autosomal recessive limb-girdle muscular dystrophy type 2F (LGMDR6). Also called: Muscular dystrophy limb-girdle with delta-sarcoglyan deficiency; MUSCULAR DYSTROPHY, LIMB-GIRDLE, AUTOSOMAL RECESSIVE 6. Identifiers: Orphanet 219, MedGen C1832525, MONDO:0011028, OMIM 601287. Disease mechanism: Affects gamma-sarcoglycan and also disrupts the integrity of the entire sarcoglycan complex..
Dilated cardiomyopathy 1L (CMD1L). Identifiers: Orphanet 154, MedGen C1847667, MONDO:0011702, OMIM 606685.

gnomAD v4.1: 1 of 1,613,594 alleles (0.000062%); highest among the groups gnomAD compares: East Asian, 0.0022%; no homozygotes.

Submissions (4):

Myriad Genetics, Inc.
Classification: Likely pathogenic for Autosomal recessive limb-girdle muscular dystrophy type 2F. Last evaluated: 2026-01-07. Review status: criteria provided, single submitter. Criteria: Myriad Autosomal Dominant, Autosomal Recessive and X-Linked Classification Criteria (2023). Collection method: clinical testing. Allele origin: unknown.
Comment: NM_000337.5(SGCD):c.784G>A(E262K) is a missense variant classified as likely pathogenic in the context of delta-sarcoglycanopathy. E262K has been observed in cases with relevant disease (PMID: 9832045, 35416532, 34602496). Relevant functional assessments of this variant are available in the literature (PMID: 22095924, 16524571). E262K has not been observed in referenced population frequency databases. In summary, NM_000337.5(SGCD):c.784G>A(E262K) is a missense variant that has functional support for pathogenicity and has been observed more frequently in cases with the relevant disease than in healthy populations. Please note: this variant was assessed in the context of healthy population screening.

Baylor Genetics
Classification: Likely pathogenic for Dilated cardiomyopathy 1L. Last evaluated: 2024-03-18. Review status: criteria provided, single submitter. Criteria: ACMG Guidelines, 2015. Collection method: clinical testing. Allele origin: unknown.

Kariminejad - Najmabadi Pathology & Genetics Center
Classification: Likely pathogenic for Autosomal recessive limb-girdle muscular dystrophy type 2F. Last evaluated: 2021-02-10. Review status: criteria provided, single submitter. Criteria: ACMG Guidelines, 2015. Collection method: clinical testing. Allele origin: germline. Inheritance: Autosomal recessive inheritance. Affected: yes.
Comment: PS3_Supporting, PM2, PP3, PM3

OMIM
Classification: Pathogenic for MUSCULAR DYSTROPHY, LIMB-GIRDLE, AUTOSOMAL RECESSIVE 6. Last evaluated: 1998-11-01. Review status: no assertion criteria provided. Collection method: literature only. Allele origin: germline. Not counted in ClinVar's aggregate classification.

Literature cited by the submitters: PubMed 16524571 (cited by Myriad Genetics, Inc.); PubMed 22095924 (cited by Myriad Genetics, Inc.); PubMed 34602496 (cited by Myriad Genetics, Inc.); PubMed 35416532 (cited by Myriad Genetics, Inc.); PubMed 9832045 (cited by Myriad Genetics, Inc. and OMIM).

NM_000337.6(SGCD):c.784G>A (p.Glu262Lys)

Gene: SGCD (sarcoglycan delta; plus strand). Cytogenetic location: 5q33.3.
Variant type: single nucleotide variant.
Coding change: c.784G>A on transcript NM_000337.6 (MANE Select); coding-DNA position 784, G replaced by A.
Protein change: p.Glu262Lys; replaces glutamic acid 262 with lysine.
Molecular consequence: missense variant.
Genome position (GRCh38, 1-based): chr5:156,759,301, G>A. VCF-style: chr5-156759301-G-A. GRCh37 (hg19) VCF-style: chr5-156186312-G-A.
Other names: c.781G>A, p.Glu261Lys (NM_001128209.2); short protein forms E262K, E261K.
Identifiers: ClinVar variation 8174 (VCV000008174.4), dbSNP rs121909297, ClinGen allele CA340753.